The following is an entry in ClinVar:

NM_173660.5(DOK7):c.725A>C (p.Glu242Ala)

Genes: DOK7 (docking protein 7; plus strand), LOC129992118 (ATAC-STARR-seq lymphoblastoid silent region 15206; plus strand). Cytogenetic location: 4p16.3.
Variant type: single nucleotide variant.
Coding change: c.725A>C on transcript NM_173660.5 (MANE Select); coding-DNA position 725, A replaced by C.
Protein change: p.Glu242Ala; replaces glutamic acid 242 with alanine.
Molecular consequence: missense variant. On other transcripts: synonymous variant (1), 5 prime UTR variant (1).
Genome position (GRCh38, 1-based): chr4:3,489,749, A>C. VCF-style: chr4-3489749-A-C. GRCh37 (hg19) VCF-style: chr4-3491476-A-C.
Other names: c.714A>C, p.Gly238= (NM_001164673.2); c.-206A>C (NM_001256896.2); c.725A>C, p.Glu242Ala (NM_001301071.2); c.293A>C, p.Glu98Ala (NM_001363811.2); short protein forms E242A, E98A.
Identifiers: ClinVar variation 1927125 (VCV001927125.5), dbSNP rs1472743226, ClinGen allele CA356115602.

ClinVar aggregate classification (germline): Uncertain significance (1 of 4 stars; one submission).

Conditions:
Fetal akinesia deformation sequence 1 (FADS1). Also called: Fetal akinesia sequence; Pena-Shokeir syndrome type I. Identifiers: Orphanet 994, MedGen C1276035, MONDO:0100101, OMIM 208150, HP:0001989.
Congenital myasthenic syndrome 10. Also called: Myasthenia, limb-girdle, familial. Identifiers: Orphanet 590, MedGen C1850792, MONDO:0009690, OMIM 254300.

Submission:

Labcorp Genetics (formerly Invitae), Labcorp
Classification: Uncertain significance for Congenital myasthenic syndrome 10; Fetal akinesia deformation sequence 1. Last evaluated: 2022-04-23. Review status: criteria provided, single submitter. Criteria: Invitae Variant Classification Sherloc (09022015). Collection method: clinical testing. Allele origin: germline.
Comment: This sequence change replaces glutamic acid, which is acidic and polar, with alanine, which is neutral and non-polar, at codon 242 of the DOK7 protein (p.Glu242Ala). This variant is not present in population databases (gnomAD no frequency). This variant has not been reported in the literature in individuals affected with DOK7-related conditions. Algorithms developed to predict the effect of missense changes on protein structure and function (SIFT, PolyPhen-2, Align-GVGD) all suggest that this variant is likely to be tolerated. In summary, the available evidence is currently insufficient to determine the role of this variant in disease. Therefore, it has been classified as a Variant of Uncertain Significance.